The following is an entry in ClinVar:

NM_182895.5(SCARF2):c.2555G>A (p.Arg852Gln)

Gene: SCARF2 (scavenger receptor class F member 2; minus strand). Cytogenetic location: 22q11.21.
Variant type: single nucleotide variant.
Coding change: c.2555G>A on transcript NM_182895.5 (MANE Select); coding-DNA position 2555, G replaced by A.
Protein change: p.Arg852Gln; replaces arginine 852 with glutamine.
Molecular consequence: missense variant.
Genome position (GRCh38, 1-based): chr22:20,425,421, C>T on the plus strand (G>A on the coding strand, the complement: SCARF2 is on the minus strand). VCF-style: chr22-20425421-C-T. GRCh37 (hg19) VCF-style: chr22-20779711-C-T.
Other names: c.2570G>A, p.Arg857Gln (NM_153334.7); short protein forms R852Q, R857Q.
Identifiers: ClinVar variation 2021266 (VCV002021266.4), dbSNP rs754436179, ClinGen allele CA10112142.

ClinVar aggregate classification (germline): Uncertain significance (1 of 4 stars; one submission).

Allele frequency attached by ClinVar (database versions not stated): gnomAD 0.00001; ExAC 0.00004.

Submission:

Labcorp Genetics (formerly Invitae), Labcorp
Classification: Uncertain significance. Last evaluated: 2022-04-08. Review status: criteria provided, single submitter. Criteria: Invitae Variant Classification Sherloc (09022015). Collection method: clinical testing. Allele origin: germline.
Comment: This sequence change replaces arginine, which is basic and polar, with glutamine, which is neutral and polar, at codon 856 of the SCARF2 protein (p.Arg856Gln). The frequency data for this variant in the population databases is considered unreliable, as metrics indicate poor data quality at this position in the gnomAD database. This variant has not been reported in the literature in individuals affected with SCARF2-related conditions. Algorithms developed to predict the effect of missense changes on protein structure and function (SIFT, PolyPhen-2, Align-GVGD) all suggest that this variant is likely to be tolerated. In summary, the available evidence is currently insufficient to determine the role of this variant in disease. Therefore, it has been classified as a Variant of Uncertain Significance.